The following is an entry in ClinVar:

ClinVar aggregate classification (germline): Conflicting classifications of pathogenicity. Review status: criteria provided, conflicting classifications (1 of 4 stars). 7 submissions from 7 submitters: Uncertain significance (4); Likely benign (3). Last evaluated 2025-12-19.

Conditions:
Developmental and epileptic encephalopathy, 11 (DEE11). Also called: Early infantile epileptic encephalopathy 11. Identifiers: Orphanet 1934, MedGen C3150987, MONDO:0013388, OMIM 613721.
Seizures, benign familial infantile, 3 (BFIS3). Also called: CONVULSIONS, BENIGN FAMILIAL INFANTILE, 3; Familial neonatal seizures. Identifiers: Orphanet 140927, Orphanet 306, MedGen C1843140, MONDO:0011904, OMIM 607745.
Inborn genetic diseases. Identifiers: MedGen C0950123, MeSH D030342.

Allele frequency attached by ClinVar (database versions not stated): gnomAD 0.00001 and 0.00002; ExAC 0.00002; gnomAD exomes 0.00002 and 0.00006; TOPMed 0.00003.
gnomAD v4.1: 89 of 1,614,050 alleles (0.0055%); highest among the groups gnomAD compares: Middle Eastern, 0.066%; no homozygotes.

Submissions (7):

Labcorp Genetics (formerly Invitae), Labcorp
Classification: Uncertain significance for Seizures, benign familial infantile, 3; Developmental and epileptic encephalopathy, 11. Last evaluated: 2025-12-19. Review status: criteria provided, single submitter. Criteria: Invitae Variant Classification Sherloc (09022015). Collection method: clinical testing. Allele origin: germline.
Comment: This sequence change replaces threonine, which is neutral and polar, with alanine, which is neutral and non-polar, at codon 1200 of the SCN2A protein (p.Thr1200Ala). This variant is present in population databases (rs765909421, gnomAD 0.009%). This missense change has been observed in individual(s) with benign familial infantile seizures (PMID: 15048894). ClinVar contains an entry for this variant (Variation ID: 212127). Invitae Evidence Modeling of protein sequence and biophysical properties (such as structural, functional, and spatial information, amino acid conservation, physicochemical variation, residue mobility, and thermodynamic stability) has been performed for this missense variant. However, the output from this modeling did not meet the statistical confidence thresholds required to predict the impact of this variant on SCN2A protein function. In summary, the available evidence is currently insufficient to determine the role of this variant in disease. Therefore, it has been classified as a Variant of Uncertain Significance.

Clinical Genomics Laboratory, Washington University in St. Louis
Classification: Uncertain significance for Seizures, benign familial infantile, 3. Last evaluated: 2025-04-01. Review status: criteria provided, single submitter. Criteria: ACMG Guidelines, 2015. Collection method: clinical testing. Allele origin: germline.
Comment: An SCN2A c.3598A>G (p.Thr1200Ala) variant was identified at a near heterozygous allelic fraction of 48.9%, a frequency that may be consistent with germline origin. This variant has been reported in the literature in an individual with benign epilepsy (Berkovic SF e tal., PMID: 15048894). It has been reported in the ClinVar database as a germline variant of uncertain significance by two submitters and a germline likely benign variant by three submitters (ClinVar variation ID: 212127). The SCN2A c.3598A>G ( p.Thr1200Ala) variant is observed on 89/1,614,050 alleles in the general population (gnomAD v.4.1.0). Computational predictors indicate that the variant is damaging, evidence that correlates with impact to SCN2A function. Due to limited information, and based on ACMG/AMP guidelines for variant interpretation (Richards S et al., PMID: 25741868), the clinical significance of this variant is uncertain at this time.

CeGaT Center for Human Genetics Tuebingen
Classification: Likely benign. Last evaluated: 2025-02-01. Review status: criteria provided, single submitter. Criteria: CeGaT Center For Human Genetics Tuebingen Variant Classification Criteria Version 2. Collection method: clinical testing. Allele origin: germline. Affected: yes. Observed: 5 variant alleles.
Comment: SCN2A: BS2

Revvity Omics, Revvity
Classification: Uncertain significance. Last evaluated: 2024-04-18. Review status: criteria provided, single submitter. Criteria: ACMG Guidelines, 2015. Collection method: clinical testing. Allele origin: germline.

GeneDx
Classification: Likely benign. Last evaluated: 2021-01-12. Review status: criteria provided, single submitter. Criteria: GeneDx Variant Classification Process June 2021. Collection method: clinical testing. Allele origin: germline. Affected: yes.
Comment: This variant is associated with the following publications: (PMID: 15048894)

Ambry Genetics
Classification: Likely benign for Inborn genetic diseases. Last evaluated: 2020-02-10. Review status: criteria provided, single submitter. Criteria: Ambry Variant Classification Scheme 2023. Collection method: clinical testing. Allele origin: germline.

Genetic Services Laboratory, University of Chicago
Classification: Uncertain significance. Last evaluated: 2015-07-22. Review status: criteria provided, single submitter. Criteria: ACMG Guidelines, 2015. Collection method: clinical testing. Allele origin: germline.

Literature cited by the submitters: PubMed 15048894 (cited by Labcorp Genetics (formerly Invitae), Labcorp and Ambry Genetics).

NM_001040142.2(SCN2A):c.3598A>G (p.Thr1200Ala)

Gene: SCN2A (sodium voltage-gated channel alpha subunit 2; plus strand). Cytogenetic location: 2q24.3.
Variant type: single nucleotide variant.
Coding change: c.3598A>G on transcript NM_001040142.2 (MANE Select); coding-DNA position 3598, A replaced by G.
Protein change: p.Thr1200Ala; replaces threonine 1200 with alanine.
Molecular consequence: missense variant.
Genome position (GRCh38, 1-based): chr2:165,367,294, A>G. VCF-style: chr2-165367294-A-G. GRCh37 (hg19) VCF-style: chr2-166223804-A-G.
Other names: c.3598A>G, p.Thr1200Ala (NM_001040143.2, NM_001371246.1, NM_001371247.1 and 1 more transcripts); short protein forms T1200A.
Identifiers: ClinVar variation 212127 (VCV000212127.59), dbSNP rs765909421, ClinGen allele CA206313.
Genomic context (GRCh38, chr2:165,367,294, plus strand): 5'-AAGTGTTGTCAGATAAGCATAGAAGAAGGCAAAGGGAAACTCTGGTGGAATTTGAGGAAA[A>G]CATGCTATAAGATAGTGGAGCACAATTGGTTCGAAACCTTCATTGTCTTCATGATTCTGC-3'
Protein context (NP_001035232.1, residues 1190-1210): KGKLWWNLRK[Thr1200Ala]CYKIVEHNWF